The following is an entry in ClinVar:

NM_001171.6(ABCC6):c.1837G>A (p.Gly613Ser)

Gene: ABCC6 (ATP binding cassette subfamily C member 6; minus strand). Cytogenetic location: 16p13.11.
Variant type: single nucleotide variant.
Coding change: c.1837G>A on transcript NM_001171.6 (MANE Select); coding-DNA position 1837, G replaced by A.
Protein change: p.Gly613Ser; replaces glycine 613 with serine.
Molecular consequence: missense variant. On other transcripts: non-coding transcript variant (1).
Genome position (GRCh38, 1-based): chr16:16,187,154, C>T on the plus strand (G>A on the coding strand, the complement: ABCC6 is on the minus strand). VCF-style: chr16-16187154-C-T. GRCh37 (hg19) VCF-style: chr16-16281011-C-T.
Other names: c.1495G>A, p.Gly499Ser (NM_001351800.1); c.1837G>A (NM_001171.5); short protein forms G499S, G613S.
Identifiers: ClinVar variation 1422902 (VCV001422902.9), dbSNP rs369816256, ClinGen allele CA7926144.

ClinVar aggregate classification (germline): Uncertain significance. Review status: criteria provided, multiple submitters, no conflicts (2 of 4 stars). 3 submissions from 3 submitters: Uncertain significance (3). Last evaluated 2025-03-25.

Conditions:
Autosomal recessive inherited pseudoxanthoma elasticum (PXE). Identifiers: Orphanet 758, MedGen CN032334, MONDO:0009925, OMIM 264800.
Pseudoxanthoma elasticum, forme fruste. Also called: Pseudoxanthoma Elasticum, Incomplete; PSEUDOXANTHOMA ELASTICUM, HETEROZYGOUS. Identifiers: Orphanet 758, MedGen C1867450, MONDO:0008333, OMIM 177850.
Arterial calcification, generalized, of infancy, 2. Identifiers: Orphanet 51608, MedGen C3276161, MONDO:0013768, OMIM 614473.
Inborn genetic diseases. Identifiers: MedGen C0950123, MeSH D030342.

Allele frequency attached by ClinVar (database versions not stated): gnomAD exomes 0.00001; ExAC 0.00001; gnomAD 0.00001; TOPMed 0.00002; ESP Exome Variant Server 0.00008.
gnomAD v4.1: 18 of 1,613,634 alleles (0.0011%); highest among the groups gnomAD compares: Non-Finnish European, 0.0014%; no homozygotes.

Submissions (3):

Ambry Genetics
Classification: Uncertain significance for Inborn genetic diseases. Last evaluated: 2025-03-25. Review status: criteria provided, single submitter. Criteria: Ambry Variant Classification Scheme 2023. Collection method: clinical testing. Allele origin: germline.

Fulgent Genetics
Classification: Uncertain significance for Pseudoxanthoma elasticum, forme fruste; Autosomal recessive inherited pseudoxanthoma elasticum; Arterial calcification, generalized, of infancy, 2. Last evaluated: 2024-05-09. Review status: criteria provided, single submitter. Criteria: ACMG Guidelines, 2015. Collection method: clinical testing. Allele origin: germline.

Labcorp Genetics (formerly Invitae), Labcorp
Classification: Uncertain significance. Last evaluated: 2021-06-11. Review status: criteria provided, single submitter. Criteria: Invitae Variant Classification Sherloc (09022015). Collection method: clinical testing. Allele origin: germline.
Comment: In summary, the available evidence is currently insufficient to determine the role of this variant in disease. Therefore, it has been classified as a Variant of Uncertain Significance. Advanced modeling of protein sequence and biophysical properties (such as structural, functional, and spatial information, amino acid conservation, physicochemical variation, residue mobility, and thermodynamic stability) performed at Invitae indicates that this missense variant is not expected to disrupt ABCC6 protein function. This variant has not been reported in the literature in individuals with ABCC6-related conditions. This variant is present in population databases (rs369816256, ExAC 0.002%). This sequence change replaces glycine with serine at codon 613 of the ABCC6 protein (p.Gly613Ser). The glycine residue is weakly conserved and there is a small physicochemical difference between glycine and serine.